The following is an entry in ClinVar:

ClinVar aggregate classification (germline): Uncertain significance (1 of 4 stars; one submission).

Conditions:
Alstrom syndrome (ALMS). Identifiers: Orphanet 64, MedGen C0268425, MONDO:0008763, OMIM 203800.

Allele frequency attached by ClinVar (database versions not stated): gnomAD exomes 0.00004; gnomAD 0.00009; ExAC 0.00011.
gnomAD v4.1: 71 of 1,613,754 alleles (0.0044%); highest among the groups gnomAD compares: Non-Finnish European, 0.0012%; no homozygotes.

Submission:

Labcorp Genetics (formerly Invitae), Labcorp
Classification: Uncertain significance for Alstrom syndrome. Last evaluated: 2023-01-15. Review status: criteria provided, single submitter. Criteria: Invitae Variant Classification Sherloc (09022015). Collection method: clinical testing. Allele origin: germline.
Comment: In summary, the available evidence is currently insufficient to determine the role of this variant in disease. Therefore, it has been classified as a Variant of Uncertain Significance. Experimental studies and prediction algorithms are not available or were not evaluated, and the functional significance of this variant is currently unknown. This variant has not been reported in the literature in individuals affected with ALMS1-related conditions. This variant is present in population databases (rs770306871, gnomAD 0.1%). This sequence change replaces cysteine, which is neutral and slightly polar, with serine, which is neutral and polar, at codon 212 of the ALMS1 protein (p.Cys212Ser).

NM_001378454.1(ALMS1):c.632G>C (p.Cys211Ser)

Gene: ALMS1 (ALMS1 centrosome and basal body associated protein; plus strand). Cytogenetic location: 2p13.1.
Variant type: single nucleotide variant.
Coding change: c.632G>C on transcript NM_001378454.1 (MANE Select); coding-DNA position 632, G replaced by C.
Protein change: p.Cys211Ser; replaces cysteine 211 with serine.
Molecular consequence: missense variant.
Genome position (GRCh38, 1-based): chr2:73,419,304, G>C. VCF-style: chr2-73419304-G-C. GRCh37 (hg19) VCF-style: chr2-73646432-G-C.
Other names: c.635G>C, p.Cys212Ser (NM_015120.4); short protein forms C212S, C211S.
Identifiers: ClinVar variation 1943141 (VCV001943141.3), dbSNP rs770306871, ClinGen allele CA1712905.